The following is an entry in ClinVar:

ClinVar aggregate classification (germline): Pathogenic/Likely pathogenic. Review status: criteria provided, multiple submitters, no conflicts (2 of 4 stars). 3 submissions from 3 submitters: Pathogenic (2); Likely pathogenic (1). Last evaluated 2024-09-09.

Conditions:
PLEKHG5-related disorder. Also called: PLEKHG5-related condition.
Neuronopathy, distal hereditary motor, autosomal recessive 4. Also called: NEUROPATHY, DISTAL HEREDITARY MOTOR, AUTOSOMAL RECESSIVE 4; Autosomal recessive lower motor neuron disease with childhood onset. Identifiers: Orphanet 206580, MedGen C1970211, MONDO:0012608, OMIM 611067.
Charcot-Marie-Tooth disease recessive intermediate C. Also called: CHARCOT-MARIE-TOOTH NEUROPATHY, RECESSIVE INTERMEDIATE C. Identifiers: Orphanet 369867, MedGen C3809309, MONDO:0014154, OMIM 615376.

Allele frequency attached by ClinVar (database versions not stated): TOPMed below 0.00001; gnomAD 0.00001.
gnomAD v4.1: 2 of 1,581,736 alleles (0.00013%); highest among the groups gnomAD compares: Non-Finnish European, 0.00017%; no homozygotes.

Submissions (3):

Women's Health and Genetics/Laboratory Corporation of America, LabCorp
Classification: Pathogenic for Neuronopathy, distal hereditary motor, autosomal recessive 4. Last evaluated: 2024-09-09. Review status: criteria provided, single submitter. Criteria: LabCorp Variant Classification Summary - May 2015. Collection method: clinical testing. Allele origin: germline.
Comment: Variant summary: PLEKHG5 c.1289C>A (p.Ser430X) results in a premature termination codon, predicted to cause a truncation of the encoded protein or absence of the protein due to nonsense mediated decay, which are commonly known mechanisms for disease. The variant was absent in 195272 control chromosomes. To our knowledge, no occurrence of c.1289C>A in individuals affected with Distal Spinal Muscular Atrophy, Autosomal Recessive 4 and no experimental evidence demonstrating its impact on protein function have been reported. ClinVar contains an entry for this variant (Variation ID: 1454196). Based on the evidence outlined above, the variant was classified as pathogenic.

PreventionGenetics, part of Exact Sciences
Classification: Likely pathogenic for PLEKHG5-related condition. Last evaluated: 2023-01-19. Review status: criteria provided, single submitter. Criteria: ACMG Guidelines, 2015. Collection method: clinical testing. Allele origin: germline.
Comment: The PLEKHG5 c.1289C>A variant is predicted to result in premature protein termination (p.Ser430*). To our knowledge, this variant has not been reported in the literature, or in a large population database, indicating this variant is rare. Nonsense variants in PLEKHG5 are expected to be pathogenic. This variant is interpreted as likely pathogenic.

Labcorp Genetics (formerly Invitae), Labcorp
Classification: Pathogenic for Neuronopathy, distal hereditary motor, autosomal recessive 4; Charcot-Marie-Tooth disease recessive intermediate C. Last evaluated: 2022-11-08. Review status: criteria provided, single submitter. Criteria: Invitae Variant Classification Sherloc (09022015). Collection method: clinical testing. Allele origin: germline.
Comment: For these reasons, this variant has been classified as Pathogenic. ClinVar contains an entry for this variant (Variation ID: 1454196). This variant has not been reported in the literature in individuals affected with PLEKHG5-related conditions. This variant is not present in population databases (gnomAD no frequency). This sequence change creates a premature translational stop signal (p.Ser430*) in the PLEKHG5 gene. It is expected to result in an absent or disrupted protein product. Loss-of-function variants in PLEKHG5 are known to be pathogenic (PMID: 17564964, 23777631).

Literature cited by the submitters: PubMed 17564964 (cited by Labcorp Genetics (formerly Invitae), Labcorp); PubMed 23777631 (cited by Labcorp Genetics (formerly Invitae), Labcorp).

NM_020631.6(PLEKHG5):c.1289C>A (p.Ser430Ter)

Gene: PLEKHG5 (pleckstrin homology and RhoGEF domain containing G5; minus strand). Cytogenetic location: 1p36.31.
Variant type: single nucleotide variant.
Coding change: c.1289C>A on transcript NM_020631.6 (MANE Select); coding-DNA position 1289, C replaced by A.
Protein change: p.Ser430Ter; replaces serine 430 with a stop codon.
Molecular consequence: nonsense.
Genome position (GRCh38, 1-based): chr1:6,471,093, G>T on the plus strand (C>A on the coding strand, the complement: PLEKHG5 is on the minus strand). VCF-style: chr1-6471093-G-T. GRCh37 (hg19) VCF-style: chr1-6531153-G-T.
Other names: c.1400C>A, p.Ser467Ter (NM_001042663.3, NM_001265592.2); c.1289C>A, p.Ser430Ter (NM_001042664.2, NM_001042665.2, NM_001265594.3 and 1 more transcripts); c.1496C>A, p.Ser499Ter (NM_001265593.2); c.1289C>A (NM_020631.4); short protein forms S430*, S499*, S467*.
Identifiers: ClinVar variation 1454196 (VCV001454196.8), dbSNP rs1443592761, ClinGen allele CA338128481.